The following is an entry in ClinVar:

ClinVar aggregate classification (germline): Likely benign (0 of 4 stars; one submission).

Conditions:
PHIP-related disorder. Also called: PHIP-related disorders; PHIP-related condition.

Allele frequency attached by ClinVar (database versions not stated): ExAC 0.00001; gnomAD 0.00001; TOPMed 0.00001.
gnomAD v4.1: 40 of 1,611,198 alleles (0.0025%); highest among the groups gnomAD compares: Non-Finnish European, 0.0031%; no homozygotes.

Submission:

PreventionGenetics, part of Exact Sciences
Classification: Likely benign for PHIP-related condition. Last evaluated: 2019-05-13. Review status: no assertion criteria provided. Collection method: clinical testing. Allele origin: germline.
Comment: This variant is classified as likely benign based on ACMG/AMP sequence variant interpretation guidelines (Richards et al. 2015 PMID: 25741868, with internal and published modifications).

NM_017934.7(PHIP):c.4683T>C (p.Pro1561=)

Genes: IRAK1BP1 (interleukin 1 receptor associated kinase 1 binding protein 1; plus strand), PHIP (PHIP subunit of CUL4-Ring ligase complex; minus strand). Cytogenetic location: 6q14.1.
Variant type: single nucleotide variant.
Coding change: c.4683T>C on transcript NM_017934.7 (MANE Select); coding-DNA position 4683, T replaced by C.
Protein change: p.Pro1561=; no amino-acid change (proline 1561 retained).
Molecular consequence: synonymous variant.
Genome position (GRCh38, 1-based): chr6:78,945,445, A>G on the plus strand (T>C on the coding strand, the complement: PHIP is on the minus strand). VCF-style: chr6-78945445-A-G. GRCh37 (hg19) VCF-style: chr6-79655162-A-G.
Identifiers: ClinVar variation 3041792 (VCV003041792.2), dbSNP rs768388151, ClinGen allele CA3899392.